The following is an entry in ClinVar:

ClinVar aggregate classification (germline): Pathogenic/Likely pathogenic. Review status: criteria provided, multiple submitters, no conflicts (2 of 4 stars). 2 submissions from 2 submitters: Pathogenic (1); Likely pathogenic (1). Last evaluated 2024-12-27.

Conditions:
MHC class II deficiency. Also called: Bare lymphocyte syndrome 2; BLS, TYPE II. Identifiers: Orphanet 572, MedGen C5447452, MONDO:0008855.

Allele frequency attached by ClinVar (database versions not stated): TOPMed below 0.00001.

Submissions (2):

Natera, Inc.
Classification: Likely pathogenic for Bare lymphocyte syndrome type II. Last evaluated: 2024-12-27. Review status: criteria provided, single submitter. Criteria: Natera Variant Classification Schema (03/2026). Collection method: clinical testing. Allele origin: germline.
Comment: The c.1383dupT variant in CIITA is a frameshift variant predicted to shift the reading frame beginning at codon 462 and leads to a stop codon 21 codons downstream. This variant is expected to result in nonsense mediated decay, truncation, or a dysfunctional protein product. This variant is rare in the general population with a frequency below the threshold expected for the associated phenotype(s). Given the available evidence, this variant is classified as Likely Pathogenic.

Labcorp Genetics (formerly Invitae), Labcorp
Classification: Pathogenic for MHC class II deficiency. Last evaluated: 2021-06-14. Review status: criteria provided, single submitter. Criteria: Invitae Variant Classification Sherloc (09022015). Collection method: clinical testing. Allele origin: germline.
Comment: For these reasons, this variant has been classified as Pathogenic. This variant has not been reported in the literature in individuals with CIITA-related conditions. This variant is not present in population databases (ExAC no frequency). This sequence change creates a premature translational stop signal (p.Ala462Cysfs*21) in the CIITA gene. It is expected to result in an absent or disrupted protein product. Loss-of-function variants in CIITA are known to be pathogenic (PMID: 8402893, 9099848, 26271388).

Literature cited by the submitters: PubMed 8402893 (cited by Labcorp Genetics (formerly Invitae), Labcorp); PubMed 9099848 (cited by Labcorp Genetics (formerly Invitae), Labcorp); PubMed 26271388 (cited by Labcorp Genetics (formerly Invitae), Labcorp).

NM_000246.4(CIITA):c.1383dup (p.Ala462fs)

Gene: CIITA (class II major histocompatibility complex transactivator; plus strand). Cytogenetic location: 16p13.13.
Variant type: Duplication.
Coding change: c.1383dup on transcript NM_000246.4 (MANE Select); coding-DNA position 1383, one base duplicated (T; older notation c.1383dupT).
Protein change: p.Ala462fs; shifts the reading frame from alanine 462.
Molecular consequence: frameshift variant. On other transcripts: intron variant (1).
Genome position (GRCh38, 1-based): chr16:10,906,875, T duplicated. VCF-style (leftmost placement, unchanged base first): chr16-10906874-A-AT. GRCh37 (hg19) VCF-style: chr16-11000731-A-AT.
Other names: c.1383dupT (NM_000246.3); c.1386dup, p.Ala463fs (NM_001286402.1, NM_001379332.1); c.1239dup, p.Ala414fs (NM_001379330.1); c.1236dup, p.Ala413fs (NM_001379331.1); c.1383dup, p.Ala462fs (NM_001379333.1); c.1314dup, p.Ala439fs (NM_001379334.1); c.859+2063dup (NM_001286403.2); short protein forms A462fs, A463fs, A414fs, A439fs, A413fs.
Identifiers: ClinVar variation 1360274 (VCV001360274.7), dbSNP rs2039198631, ClinGen allele CA2207324557.